The following is an entry in ClinVar:

NM_015158.5(KANK1):c.2447C>T (p.Pro816Leu)

Gene: KANK1 (KN motif and ankyrin repeat domains 1; plus strand). Cytogenetic location: 9p24.3.
Variant type: single nucleotide variant.
Coding change: c.2447C>T on transcript NM_015158.5 (MANE Select); coding-DNA position 2447, C replaced by T.
Protein change: p.Pro816Leu; replaces proline 816 with leucine.
Molecular consequence: missense variant. On other transcripts: non-coding transcript variant (1).
Genome position (GRCh38, 1-based): chr9:713,213, C>T. VCF-style: chr9-713213-C-T. GRCh37 (hg19) VCF-style: chr9-713213-C-T.
Other names: c.2447C>T, p.Pro816Leu (NM_001256876.3, NM_001256877.3, NM_001354331.2 and 3 more transcripts); c.1973C>T, p.Pro658Leu (NM_001354333.2, NM_001354335.2, NM_001354336.2 and 10 more transcripts); short protein forms P658L, P816L.
Identifiers: ClinVar variation 4089581 (VCV004089581.5).

ClinVar aggregate classification (germline): Uncertain significance. Review status: criteria provided, multiple submitters, no conflicts (2 of 4 stars). 2 submissions from 2 submitters: Uncertain significance (2). Last evaluated 2026-03-01.

gnomAD v4.1: 33 of 1,593,368 alleles (0.0021%); highest among the groups gnomAD compares: Non-Finnish European, 0.0025%; no homozygotes.

Submissions (2):

CeGaT Center for Human Genetics Tuebingen
Classification: Uncertain significance. Last evaluated: 2026-03-01. Review status: criteria provided, single submitter. Criteria: CeGaT Center For Human Genetics Tuebingen Variant Classification Criteria Version 2. Collection method: clinical testing. Allele origin: germline. Affected: yes. Observed: 1 variant allele.
Comment: KANK1: PM2, BP4

Ambry Genetics
Classification: Uncertain significance. Last evaluated: 2025-08-30. Review status: criteria provided, single submitter. Criteria: Ambry Variant Classification Scheme 2023. Collection method: clinical testing. Allele origin: germline.